The following is an entry in ClinVar:

ClinVar aggregate classification (germline): Uncertain significance. Review status: criteria provided, multiple submitters, no conflicts (2 of 4 stars). 3 submissions from 3 submitters: Uncertain significance (3). Last evaluated 2025-12-11.

Conditions:
Noonan syndrome 10 (NS10). Identifiers: Orphanet 648, MedGen C4225280, MONDO:0014693, OMIM 616564.
Noonan syndrome 2 (NS2). Identifiers: Orphanet 648, MedGen C1854469, MONDO:0011531, OMIM 605275.
Cardiovascular phenotype. Identifiers: MedGen CN230736.
Hereditary cancer-predisposing syndrome. Also called: Neoplastic Syndromes, Hereditary; Tumor predisposition; Hereditary Cancer Syndrome; Hereditary neoplastic syndrome. Identifiers: Orphanet 140162, MedGen C0027672, MeSH D009386, MONDO:0015356.

Allele frequency attached by ClinVar (database versions not stated): TOPMed below 0.00001; gnomAD 0.00001.

Submissions (3):

Ambry Genetics
Classification: Uncertain significance for Cardiovascular phenotype; Hereditary cancer-predisposing syndrome. Last evaluated: 2025-12-11. Review status: criteria provided, single submitter. Criteria: Ambry Variant Classification Scheme 2023. Collection method: clinical testing. Allele origin: germline.
Comment: The p.V574M variant (also known as c.1720G>A), located in coding exon 15 of the LZTR1 gene, results from a G to A substitution at nucleotide position 1720. The valine at codon 574 is replaced by methionine, an amino acid with highly similar properties. This amino acid position is highly conserved in available vertebrate species. In addition, the in silico prediction for this alteration is inconclusive. Since supporting evidence is limited at this time, the clinical significance of this alteration remains unclear.

Labcorp Genetics (formerly Invitae), Labcorp
Classification: Uncertain significance. Last evaluated: 2025-02-21. Review status: criteria provided, single submitter. Criteria: Invitae Variant Classification Sherloc (09022015). Collection method: clinical testing. Allele origin: germline.
Comment: This sequence change replaces valine, which is neutral and non-polar, with methionine, which is neutral and non-polar, at codon 574 of the LZTR1 protein (p.Val574Met). This variant is present in population databases (rs772702683, gnomAD 0.0009%). This variant has not been reported in the literature in individuals affected with LZTR1-related conditions. ClinVar contains an entry for this variant (Variation ID: 1778758). Invitae Evidence Modeling of protein sequence and biophysical properties (such as structural, functional, and spatial information, amino acid conservation, physicochemical variation, residue mobility, and thermodynamic stability) indicates that this missense variant is not expected to disrupt LZTR1 protein function with a negative predictive value of 80%. In summary, the available evidence is currently insufficient to determine the role of this variant in disease. Therefore, it has been classified as a Variant of Uncertain Significance.

Clinical Genomics Laboratory, Washington University in St. Louis
Classification: Uncertain significance for Noonan syndrome 10; Noonan syndrome 2. Last evaluated: 2024-05-01. Review status: criteria provided, single submitter. Criteria: ACMG Guidelines, 2015. Collection method: clinical testing. Allele origin: germline.
Comment: An LZTR1 c.1720G>A (p.Val574Met) variant was identified at an allelic fraction of 48.8%, a frequency which may be consistent with germline origin. This variant, to our knowledge, has not been reported in the medical literature but has been reported in the ClinVar database as a germline variant of uncertain significance by two submitters (ClinVar ID: 1778758). The LZTR1 c.1720G>A (p.Val574Met) variant is only observed on 9/1,612,820 alleles in the general population (gnomAD v.4.1.0), indicating it is not a common variant. Computational predictors are uncertain as to the impact of this variant on LZTR1 function. Due to limited information, and based on ACMG/AMP guidelines for variant interpretation (2), the clinical significance of this variant is uncertain at this time.

NM_006767.4(LZTR1):c.1720G>A (p.Val574Met)

Gene: LZTR1 (leucine zipper like post translational regulator 1; plus strand). Cytogenetic location: 22q11.21.
Variant type: single nucleotide variant.
Coding change: c.1720G>A on transcript NM_006767.4 (MANE Select); coding-DNA position 1720, G replaced by A.
Protein change: p.Val574Met; replaces valine 574 with methionine.
Molecular consequence: missense variant.
Genome position (GRCh38, 1-based): chr22:20,994,662, G>A. VCF-style: chr22-20994662-G-A. GRCh37 (hg19) VCF-style: chr22-21348951-G-A.
Other names: short protein forms V574M.
Identifiers: ClinVar variation 1778758 (VCV001778758.6), dbSNP rs772702683, ClinGen allele CA10119035.